The following is an entry in ClinVar:

ClinVar aggregate classification (germline): Uncertain significance (1 of 4 stars; one submission).

Submission:

Labcorp Genetics (formerly Invitae), Labcorp
Classification: Uncertain significance. Last evaluated: 2022-06-04. Review status: criteria provided, single submitter. Criteria: Invitae Variant Classification Sherloc (09022015). Collection method: clinical testing. Allele origin: germline.
Comment: This sequence change replaces leucine, which is neutral and non-polar, with glutamine, which is neutral and polar, at codon 135 of the DMRT2 protein (p.Leu135Gln). This variant is not present in population databases (gnomAD no frequency). This variant has not been reported in the literature in individuals affected with DMRT2-related conditions. Algorithms developed to predict the effect of missense changes on protein structure and function are either unavailable or do not agree on the potential impact of this missense change (SIFT: "Deleterious"; PolyPhen-2: "Probably Damaging"; Align-GVGD: "Class C0"). Algorithms developed to predict the effect of sequence changes on RNA splicing suggest that this variant may create or strengthen a splice site. In summary, the available evidence is currently insufficient to determine the role of this variant in disease. Therefore, it has been classified as a Variant of Uncertain Significance.

NM_181872.6(DMRT2):c.404T>A (p.Leu135Gln)

Gene: DMRT2 (doublesex and mab-3 related transcription factor 2; plus strand). Cytogenetic location: 9p24.3.
Variant type: single nucleotide variant.
Coding change: c.404T>A on transcript NM_181872.6 (MANE Select); coding-DNA position 404, T replaced by A.
Protein change: p.Leu135Gln; replaces leucine 135 with glutamine.
Molecular consequence: missense variant. On other transcripts: 5 prime UTR variant (1), non-coding transcript variant (1).
Genome position (GRCh38, 1-based): chr9:1,052,017, T>A. VCF-style: chr9-1052017-T-A. GRCh37 (hg19) VCF-style: chr9-1052017-T-A.
Other names: c.404T>A, p.Leu135Gln (NM_001130865.3, NM_001370531.1, NM_001370533.1 and 4 more transcripts); c.-247T>A (NM_001370532.1); short protein forms L135Q.
Identifiers: ClinVar variation 2088144 (VCV002088144.4), dbSNP rs2488583588, ClinGen allele CA372773635.